The following is an entry in ClinVar:

ClinVar aggregate classification (germline): Conflicting classifications of pathogenicity. Review status: criteria provided, conflicting classifications (1 of 4 stars). 5 submissions from 5 submitters: Uncertain significance (3); Likely benign (1). 1 of the submissions does not count toward it. Last evaluated 2025-09-21.

Conditions:
Frontotemporal dementia and/or amyotrophic lateral sclerosis 1 (FTDALS1). Also called: Frontotemporal dementia with motor neuron disease 1; C9orf72 Frontotemporal Dementia and/or Amyotrophic Lateral Sclerosis. Identifiers: Orphanet 275872, MedGen C5779877, MONDO:0007105, OMIM 105550.
Paget disease of bone 2, early-onset (PDB2). Also called: Paget disease of bone 2. Identifiers: MedGen C4085251, MONDO:0011183, OMIM 602080.
SQSTM1-related disorder. Also called: SQSTM1-Related Disorders.

Submissions (5):

Labcorp Genetics (formerly Invitae), Labcorp
Classification: Uncertain significance for Paget disease of bone 2, early-onset; Frontotemporal dementia and/or amyotrophic lateral sclerosis 1. Last evaluated: 2025-09-21. Review status: criteria provided, single submitter. Criteria: Invitae Variant Classification Sherloc (09022015). Collection method: clinical testing. Allele origin: germline.
Comment: This variant, c.838_840del, results in the deletion of 1 amino acid(s) of the SQSTM1 protein (p.Glu280del), but otherwise preserves the integrity of the reading frame. This variant is present in population databases (rs752009611, gnomAD 0.05%). This variant has been observed in individual(s) with clinical features of SQSTM1-related conditions (PMID: 24899140, 36515702). ClinVar contains an entry for this variant (Variation ID: 475406). Experimental studies and prediction algorithms are not available or were not evaluated, and the functional significance of this variant is currently unknown. In summary, the available evidence is currently insufficient to determine the role of this variant in disease. Therefore, it has been classified as a Variant of Uncertain Significance.

Mayo Clinic Laboratories, Mayo Clinic
Classification: Uncertain significance. Last evaluated: 2025-06-05. Review status: criteria provided, single submitter. Criteria: ACMG Guidelines, 2015. Collection method: clinical testing. Allele origin: germline. Observed: 1 variant allele.
Comment: PM4

GeneDx
Classification: Uncertain significance. Last evaluated: 2021-05-11. Review status: criteria provided, single submitter. Criteria: GeneDx Variant Classification Process June 2021. Collection method: clinical testing. Allele origin: germline. Affected: yes.
Comment: Identified in a patient with FTLD and progressive supranuclear palsy in the published literature (van der Zee et al., 2014); In-frame deletion of 1 amino acids in a non-repeat region; In silico analysis supports that this variant does not alter protein structure/function; This variant is associated with the following publications: (PMID: 24899140)

Athena Diagnostics
Classification: Likely benign. Last evaluated: 2019-01-21. Review status: criteria provided, single submitter. Criteria: Athena Diagnostics Criteria. Collection method: clinical testing. Allele origin: germline.

PreventionGenetics, part of Exact Sciences
Classification: Uncertain significance for SQSTM1-related condition. Last evaluated: 2024-07-03. Review status: no assertion criteria provided. Collection method: clinical testing. Allele origin: germline. Not counted in ClinVar's aggregate classification.
Comment: The SQSTM1 c.838_840delGAG variant is predicted to result in an in-frame deletion (p.Glu280del). This variant has been reported in an individual with frontotemporal lobar degeneration (van der Zee et al. 2014. PubMed ID: 24899140) and in an individual with amyotrophic lateral sclerosis (Leighton et al. 2022. PubMed ID: 36515702). This variant is reported in 0.052% of alleles in individuals of African descent in gnomAD. At this time, the clinical significance of this variant is uncertain due to the absence of conclusive functional and genetic evidence.

Literature cited by the submitters: PubMed 24899140 (cited by 3 submitters); PubMed 36515702 (cited by Labcorp Genetics (formerly Invitae), Labcorp and Mayo Clinic Laboratories, Mayo Clinic); PubMed 34110677 (cited by Mayo Clinic Laboratories, Mayo Clinic).

NM_003900.5(SQSTM1):c.835GAG[1] (p.Glu280del)

Gene: SQSTM1 (sequestosome 1; plus strand). Cytogenetic location: 5q35.3.
Variant type: Microsatellite.
Coding change: c.835GAG[1] on transcript NM_003900.5 (MANE Select); one copy of the 3-base unit GAG starting at c.835; the reference has two copies in a row; one copy, 3 bases deleted; also written c.838_840del.
Protein change: p.Glu280del; deletes glutamic acid 280.
Molecular consequence: inframe deletion.
Genome position (GRCh38, 1-based): chr5:179,833,115-179,833,117, GAG deleted; deleting any 3 consecutive bases within chr5:179,833,112-179,833,117 gives the same sequence; the position shown is the placement nearest the transcript's 3' end. VCF-style (leftmost placement, unchanged base first): chr5-179833111-AGAG-A. GRCh37 (hg19) VCF-style: chr5-179260111-AGAG-A.
Other names: p.Glu280del; c.838_840del (NM_003900.4, NM_003900.5); c.583GAG[1], p.Glu196del (NM_001142298.2, NM_001142299.2); short protein forms E280del, E196del.
Identifiers: ClinVar variation 475406 (VCV000475406.14), dbSNP rs752009611, ClinGen allele CA3600703.